The following is an entry in ClinVar:

ClinVar aggregate classification (germline): Uncertain significance (1 of 4 stars; one submission).

Conditions:
Severe combined immunodeficiency due to DCLRE1C deficiency (RS-SCID). Also called: SCID, AUTOSOMAL RECESSIVE, T CELL-NEGATIVE, B CELL-NEGATIVE, NK CELL-POSITIVE, WITH SENSITIVITY TO IONIZING RADIATION. Identifiers: Orphanet 275, MedGen C1865371, MONDO:0011225, OMIM 602450.

Submission:

Labcorp Genetics (formerly Invitae), Labcorp
Classification: Uncertain significance for Athabaskan severe combined immunodeficiency. Last evaluated: 2019-06-29. Review status: criteria provided, single submitter. Criteria: Invitae Variant Classification Sherloc (09022015). Collection method: clinical testing. Allele origin: germline.
Comment: In summary, the available evidence is currently insufficient to determine the role of this variant in disease. Therefore, it has been classified as a Variant of Uncertain Significance. Algorithms developed to predict the effect of missense changes on protein structure and function are either unavailable or do not agree on the potential impact of this missense change (SIFT: "Deleterious"; PolyPhen-2: "Probably Damaging"; Align-GVGD: "Class C0"). This variant has not been reported in the literature in individuals with DCLRE1C-related conditions. This variant is not present in population databases (ExAC no frequency). This sequence change replaces serine with cysteine at codon 323 of the DCLRE1C protein (p.Ser323Cys). The serine residue is moderately conserved and there is a moderate physicochemical difference between serine and cysteine.

NM_001033855.3(DCLRE1C):c.967A>T (p.Ser323Cys)

Gene: DCLRE1C (DNA cross-link repair 1C; minus strand). Cytogenetic location: 10p13.
Variant type: single nucleotide variant.
Coding change: c.967A>T on transcript NM_001033855.3 (MANE Select); coding-DNA position 967, A replaced by T.
Protein change: p.Ser323Cys; replaces serine 323 with cysteine.
Molecular consequence: missense variant. On other transcripts: non-coding transcript variant (3).
Genome position (GRCh38, 1-based): chr10:14,926,848, T>A on the plus strand (A>T on the coding strand, the complement: DCLRE1C is on the minus strand). VCF-style: chr10-14926848-T-A. GRCh37 (hg19) VCF-style: chr10-14968847-T-A.
Other names: c.607A>T, p.Ser203Cys (NM_001033857.3, NM_001033858.3, NM_001289077.2 and 2 more transcripts); c.622A>T, p.Ser208Cys (NM_001289076.2, NM_001289078.2, NM_001350966.2 and 1 more transcripts); c.967A>T, p.Ser323Cys (NM_001350965.2); short protein forms S203C, S208C, S323C.
Identifiers: ClinVar variation 944834 (VCV000944834.9), dbSNP rs780156393, ClinGen allele CA376055687.